The following is an entry in ClinVar:

NM_001378452.1(ITPR1):c.2442G>T (p.Glu814Asp)

Gene: ITPR1 (inositol 1,4,5-trisphosphate receptor type 1; plus strand). Cytogenetic location: 3p26.1.
Variant type: single nucleotide variant.
Coding change: c.2442G>T on transcript NM_001378452.1 (MANE Select); coding-DNA position 2442, G replaced by T.
Protein change: p.Glu814Asp; replaces glutamic acid 814 with aspartic acid.
Molecular consequence: missense variant.
Genome position (GRCh38, 1-based): chr3:4,673,373, G>T. VCF-style: chr3-4673373-G-T. GRCh37 (hg19) VCF-style: chr3-4715057-G-T.
Other names: c.2442G>T, p.Glu814Asp (NM_001099952.4); c.2397G>T, p.Glu799Asp (NM_001168272.2, NM_002222.7); short protein forms E799D, E814D.
Identifiers: ClinVar variation 3573661 (VCV003573661.2).

ClinVar aggregate classification (germline): Uncertain significance. Review status: criteria provided, multiple submitters, no conflicts (2 of 4 stars). 2 submissions from 2 submitters: Uncertain significance (2). Last evaluated 2026-05-23.

Conditions:
ITPR1-related disorder. Also called: ITPR1-related condition.

gnomAD v4.1: 1 of 1,607,844 alleles (0.000062%); highest among the groups gnomAD compares: African/African-American, 0.0013%; no homozygotes.

Submissions (2):

PreventionGenetics, part of Exact Sciences
Classification: Uncertain significance for ITPR1-related condition. Last evaluated: 2026-05-23. Review status: criteria provided, single submitter. Criteria: ACMG Guidelines, 2015. Collection method: clinical testing. Allele origin: germline.
Comment: The ITPR1 c.2397G>T variant is predicted to result in the amino acid substitution p.Glu799Asp. To our knowledge, this variant has not been reported in the literature. This variant is reported in 0.011% of alleles in individuals of African descent in gnomAD. At this time, the clinical significance of this variant is uncertain due to the absence of conclusive functional and genetic evidence.

GeneDx
Classification: Uncertain significance. Last evaluated: 2024-07-14. Review status: criteria provided, single submitter. Criteria: GeneDx Variant Classification Process June 2021. Collection method: clinical testing. Allele origin: germline. Affected: yes.
Comment: In silico analysis indicates that this missense variant does not alter protein structure/function; Has not been previously published as pathogenic or benign to our knowledge